The following is an entry in ClinVar:

NM_002063.4(GLRA2):c.202+8C>T

Gene: GLRA2 (glycine receptor alpha 2; plus strand). Cytogenetic location: Xp22.2.
Variant type: single nucleotide variant.
Coding change: c.202+8C>T on transcript NM_002063.4 (MANE Select); 8 bases into the intron after coding-DNA position 202, C replaced by T.
Molecular consequence: intron variant.
Genome position (GRCh38, 1-based): chrX:14,532,380, C>T. VCF-style: chrX-14532380-C-T. GRCh37 (hg19) VCF-style: chrX-14550502-C-T.
Other names: c.-26+8C>T (NM_001171942.2); c.202+8C>T (NM_001118885.2, NM_001118886.2).
Identifiers: ClinVar variation 2660038 (VCV002660038.24), dbSNP rs1327860186, ClinGen allele CA640707798.
Genomic context (GRCh38, chrX:14,532,380, plus strand): 5'-GTTAATGGGAAGGACATCAGGATATGATGCAAGAATCAGGCCAAATTTTAAAGGTAGGTT[C>T]CACTTAAACTTACGTTAAGCCTTTGAGAAATCTTCTAGATGTTTGAATAGTTAACTGAAA-3'

ClinVar aggregate classification (germline): Uncertain significance (1 of 4 stars; one submission).

Submission:

CeGaT Center for Human Genetics Tuebingen
Classification: Uncertain significance. Last evaluated: 2023-10-01. Review status: criteria provided, single submitter. Criteria: CeGaT Center For Human Genetics Tuebingen Variant Classification Criteria Version 2. Collection method: clinical testing. Allele origin: germline. Affected: yes. Observed: 1 variant allele.
Comment: GLRA2: PM2, BP4